The following is an entry in ClinVar:

NM_000218.3(KCNQ1):c.1523A>G (p.Glu508Gly)

Gene: KCNQ1 (potassium voltage-gated channel subfamily Q member 1; plus strand). Cytogenetic location: 11p15.5.
Variant type: single nucleotide variant.
Coding change: c.1523A>G on transcript NM_000218.3 (MANE Select); coding-DNA position 1523, A replaced by G.
Protein change: p.Glu508Gly; replaces glutamic acid 508 with glycine.
Molecular consequence: missense variant.
Genome position (GRCh38, 1-based): chr11:2,768,852, A>G. VCF-style: chr11-2768852-A-G. GRCh37 (hg19) VCF-style: chr11-2790082-A-G.
Other names: c.1427A>G, p.Glu476Gly (NM_001406836.1); c.1253A>G, p.Glu418Gly (NM_001406837.1); c.983A>G, p.Glu328Gly (NM_001406838.1); c.1142A>G, p.Glu381Gly (NM_181798.2); short protein forms E328G, E381G, E418G, E476G, E508G.
Identifiers: ClinVar variation 2773481 (VCV002773481.2), dbSNP rs1156319014, ClinGen allele CA379138905.
Genomic context (GRCh38, chr11:2,768,852, plus strand): 5'-ATGACCAGCACAGGGTGGCCACTCACAATCTCCTCTCCTCTCTCCACTGCAGGCTGCGGG[A>G]ACACCATCGGGCCACCATTAAGGTCATTCGACGCATGCAGTACTTTGTGGCCAAGAAGAA-3'
Protein context (NP_000209.2, residues 498-518): TPITHISQLR[Glu508Gly]HHRATIKVIR

ClinVar aggregate classification (germline): Uncertain significance (1 of 4 stars; one submission).

Conditions:
Cardiac arrhythmia. Also called: Arrhythmia; Cardiac rhythm disease. Identifiers: MedGen C0003811, MONDO:0007263, HP:0011675.

Allele frequency attached by ClinVar (database versions not stated): gnomAD exomes 0.00001.
gnomAD v4.1: 8 of 1,613,946 alleles (0.0005%); highest among the groups gnomAD compares: South Asian, 0.0077%; 1 homozygote.

Submission:

Color Diagnostics, LLC DBA Color Health
Classification: Uncertain significance for Cardiac arrhythmia. Last evaluated: 2022-12-24. Review status: criteria provided, single submitter. Criteria: ACMG Guidelines, 2015. Collection method: clinical testing. Allele origin: germline.
Comment: This missense variant replaces glutamic acid with glycine at codon 508 of the KCNQ1 protein. Computational prediction suggests that this variant may have deleterious impact on protein structure and function (internally defined REVEL score threshold >= 0.7, PMID: 27666373). To our knowledge, functional studies have not been reported for this variant. This variant has not been reported in individuals affected with KCNQ1-related disorders in the literature. This variant has been identified in 1/251388 chromosomes in the general population by the Genome Aggregation Database (gnomAD). The available evidence is insufficient to determine the role of this variant in disease conclusively. Therefore, this variant is classified as a Variant of Uncertain Significance.